The following is an entry in ClinVar:

ClinVar aggregate classification (germline): Uncertain significance (1 of 4 stars; one submission).

Conditions:
Inborn genetic diseases. Identifiers: MedGen C0950123, MeSH D030342.

Submission:

Ambry Genetics
Classification: Uncertain significance for Inborn genetic diseases. Last evaluated: 2026-02-28. Review status: criteria provided, single submitter. Criteria: Ambry Variant Classification Scheme 2023. Collection method: clinical testing. Allele origin: germline.
Comment: The p.G99R variant (also known as c.295G>C), located in coding exon 5 of the ASXL1 gene, results from a G to C substitution at nucleotide position 295. The glycine at codon 99 is replaced by arginine, an amino acid with dissimilar properties. This amino acid position is conserved. In addition, this alteration is predicted to be tolerated by in silico analysis. Based on the available evidence, the clinical significance of this variant remains unclear.

NM_015338.6(ASXL1):c.295G>C (p.Gly99Arg)

Gene: ASXL1 (ASXL transcriptional regulator 1; plus strand). Cytogenetic location: 20q11.21.
Variant type: single nucleotide variant.
Coding change: c.295G>C on transcript NM_015338.6 (MANE Select); coding-DNA position 295, G replaced by C.
Protein change: p.Gly99Arg; replaces glycine 99 with arginine.
Molecular consequence: missense variant.
Genome position (GRCh38, 1-based): chr20:32,428,170, G>C. VCF-style: chr20-32428170-G-C. GRCh37 (hg19) VCF-style: chr20-31015973-G-C.
Other names: c.265G>C, p.Gly89Arg (NM_001363734.1); short protein forms G99R, G89R.
Identifiers: ClinVar variation 4827392 (VCV004827392.1).